The following is an entry in ClinVar:

NM_015161.3(ARL6IP1):c.204C>T (p.Ser68=)

Gene: ARL6IP1 (ARL6 interacting reticulophagy regulator 1; minus strand). Cytogenetic location: 16p12.3.
Variant type: single nucleotide variant.
Coding change: c.204C>T on transcript NM_015161.3 (MANE Select); coding-DNA position 204, C replaced by T.
Protein change: p.Ser68=; no amino-acid change (serine 68 retained).
Molecular consequence: synonymous variant.
Genome position (GRCh38, 1-based): chr16:18,798,011, G>A on the plus strand (C>T on the coding strand, the complement: ARL6IP1 is on the minus strand). VCF-style: chr16-18798011-G-A. GRCh37 (hg19) VCF-style: chr16-18809333-G-A.
Other names: p.Ser68=; c.204C>T (NM_015161.2); c.117C>T, p.Ser39= (NM_001313858.1).
Identifiers: ClinVar variation 703992 (VCV000703992.16), dbSNP rs138748723, ClinGen allele CA7929519.

ClinVar aggregate classification (germline): Benign/Likely benign. Review status: criteria provided, multiple submitters, no conflicts (2 of 4 stars). 5 submissions from 5 submitters: Benign (3); Likely benign (1). 1 of the submissions does not count toward it. Last evaluated 2025-12-08.

Conditions:
Hereditary spastic paraplegia 61. Also called: Spastic paraplegia 61, autosomal recessive. Identifiers: Orphanet 401780, MedGen C3810294, MONDO:0014304, OMIM 615685.
ARL6IP1-related disorder. Also called: ARL6IP1-related condition.

Allele frequency attached by ClinVar (database versions not stated): gnomAD exomes 0.00040 and 0.00103; ExAC 0.00131; ESP Exome Variant Server 0.00392; 1000 Genomes Project 0.00399; gnomAD 0.00407 and 0.00441; TOPMed 0.00451; 1000 Genomes Project 30x 0.00453.

Submissions (5):

Labcorp Genetics (formerly Invitae), Labcorp
Classification: Benign for Hereditary spastic paraplegia 61. Last evaluated: 2025-12-08. Review status: criteria provided, single submitter. Criteria: Invitae Variant Classification Sherloc (09022015). Collection method: clinical testing. Allele origin: germline.

Mayo Clinic Laboratories, Mayo Clinic
Classification: Benign. Last evaluated: 2025-09-30. Review status: criteria provided, single submitter. Criteria: ACMG Guidelines, 2015. Collection method: clinical testing. Allele origin: germline. Observed: 1 variant allele.
Comment: BS1, BS2, BP4, BP7

Blueprint Genetics
Classification: Likely benign. Last evaluated: 2024-11-13. Review status: criteria provided, single submitter. Criteria: ACMG Guidelines, 2015. Collection method: clinical testing. Allele origin: germline.

Breakthrough Genomics
Classification: Benign. Review status: criteria provided, single submitter. Criteria: ACMG Guidelines, 2015. Collection method: not provided. Allele origin: germline. Inheritance: Autosomal recessive inheritance. Affected: yes.

PreventionGenetics, part of Exact Sciences
Classification: Benign for ARL6IP1-related condition. Last evaluated: 2019-03-25. Review status: no assertion criteria provided. Collection method: clinical testing. Allele origin: germline. Not counted in ClinVar's aggregate classification.
Comment: This variant is classified as benign based on ACMG/AMP sequence variant interpretation guidelines (Richards et al. 2015 PMID: 25741868, with internal and published modifications).